The following is an entry in ClinVar:

ClinVar aggregate classification (germline): Pathogenic (1 of 4 stars; one submission).

Submission:

GeneDx
Classification: Pathogenic. Last evaluated: 2019-03-20. Review status: criteria provided, single submitter. Criteria: GeneDx Variant Classification (06012015). Collection method: clinical testing. Allele origin: germline. Affected: yes.
Comment: The c.724_727dupTACT variant in the PDHA1 gene has not been reported previously as a pathogenic variant nor as a benign variant, to our knowledge. The c.724_727dupTACT variant causes a frameshift starting with codon Tyrosine 243, changes this amino acid to a Leucine residue, and creates a premature Stop codon at position 33 of the new reading frame, denoted p.Tyr243LeufsX33. This variant is predicted to cause loss of normal protein function either through protein truncation or nonsense-mediated mRNA decay. The c.724_727dupTACT variant is not observed in large population cohorts (Lek et al., 2016). We interpret c.724_727dupTACT as a pathogenic variant.

NM_000284.4(PDHA1):c.724_727dup (p.Tyr243fs)

Gene: PDHA1 (pyruvate dehydrogenase E1 subunit alpha 1; plus strand). Cytogenetic location: Xp22.12.
Variant type: Duplication.
Coding change: c.724_727dup on transcript NM_000284.4 (MANE Select); coding-DNA positions 724 to 727, 4 bases duplicated (TACT; older notation c.724_727dupTACT).
Protein change: p.Tyr243fs; shifts the reading frame from tyrosine 243.
Molecular consequence: frameshift variant.
Genome position (GRCh38, 1-based): chrX:19,355,469-19,355,472, TACT duplicated; duplicating any 4 consecutive bases within chrX:19,355,468-19,355,472 gives the same sequence; the c. name uses the placement nearest the transcript's 3' end. VCF-style (leftmost placement, unchanged base first): chrX-19355467-A-ATTAC. GRCh37 (hg19) VCF-style: chrX-19373585-A-ATTAC.
Other names: c.838_841dup, p.Tyr281fs (NM_001173454.2); c.745_748dup, p.Tyr250fs (NM_001173455.2); c.631_634dup, p.Tyr212fs (NM_001173456.2); short protein forms Y250fs, Y212fs, Y243fs, Y281fs.
Identifiers: ClinVar variation 817507 (VCV000817507.1), dbSNP rs1602227643, ClinGen allele CA915950754.